The following is an entry in ClinVar:

ClinVar aggregate classification (germline): Uncertain significance (1 of 4 stars; one submission).

Submission:

GeneDx
Classification: Uncertain significance. Last evaluated: 2023-06-10. Review status: criteria provided, single submitter. Criteria: GeneDx Variant Classification Process June 2021. Collection method: clinical testing. Allele origin: germline. Affected: yes.
Comment: Not observed at significant frequency in large population cohorts (gnomAD); In silico analysis supports that this missense variant has a deleterious effect on protein structure/function; Has not been previously published as pathogenic or benign to our knowledge

NM_001122955.4(BSCL2):c.542C>A (p.Ser181Tyr)

Genes: BSCL2 (BSCL2 lipid droplet biogenesis associated, seipin; minus strand), HNRNPUL2-BSCL2 (HNRNPUL2-BSCL2 readthrough (NMD candidate); minus strand). Cytogenetic location: 11q12.3.
Variant type: single nucleotide variant.
Coding change: c.542C>A on transcript NM_001122955.4 (MANE Select); coding-DNA position 542, C replaced by A.
Protein change: p.Ser181Tyr; replaces serine 181 with tyrosine.
Molecular consequence: missense variant. On other transcripts: non-coding transcript variant (1).
Genome position (GRCh38, 1-based): chr11:62,694,656, G>T on the plus strand (C>A on the coding strand, the complement: BSCL2 is on the minus strand). VCF-style: chr11-62694656-G-T. GRCh37 (hg19) VCF-style: chr11-62462128-G-T.
Other names: c.350C>A, p.Ser117Tyr (NM_001130702.2, NM_032667.6); c.542C>A, p.Ser181Tyr (NM_001386027.1, NM_001386028.1); short protein forms S117Y, S181Y.
Identifiers: ClinVar variation 3359580 (VCV003359580.1).